The following is an entry in ClinVar:

ClinVar aggregate classification (germline): Benign/Likely benign. Review status: criteria provided, multiple submitters, no conflicts (2 of 4 stars). 8 submissions from 8 submitters: Benign (3); Likely benign (4). 1 of the submissions does not count toward it. Last evaluated 2026-07-01.

Conditions:
CDKL5 disorder. Identifiers: MedGen CN296942, MONDO:0100039.
Inborn genetic diseases. Identifiers: MedGen C0950123, MeSH D030342.
Angelman syndrome-like. Identifiers: MedGen CN128785.
Developmental and epileptic encephalopathy, 2 (DEE2). Also called: CDKL5 deficiency disorder; INFANTILE SPASM SYNDROME, X-LINKED 2. Identifiers: Orphanet 1934, Orphanet 3451, Orphanet 505652, MedGen C4750718, MONDO:0010396, OMIM 300672.

Allele frequency attached by ClinVar (database versions not stated): gnomAD 0.00004; gnomAD exomes 0.00007; TOPMed 0.00007.
gnomAD v4.1: 85 of 1,204,742 alleles (0.0071%); highest among the groups gnomAD compares: Admixed American, 0.12%; 1 homozygote.

Submissions (8):

CeGaT Center for Human Genetics Tuebingen
Classification: Likely benign. Last evaluated: 2026-07-01. Review status: criteria provided, single submitter. Criteria: CeGaT Center For Human Genetics Tuebingen Variant Classification Criteria Version 2. Collection method: clinical testing. Allele origin: germline. Affected: yes. Observed: 2 variant alleles.
Comment: CDKL5: BP4, BS2

Labcorp Genetics (formerly Invitae), Labcorp
Classification: Benign for Developmental and epileptic encephalopathy, 2; Angelman syndrome-like. Last evaluated: 2025-07-06. Review status: criteria provided, single submitter. Criteria: Invitae Variant Classification Sherloc (09022015). Collection method: clinical testing. Allele origin: germline.

Centre for Population Genomics, CPG
Classification: Likely benign for CDKL5 disorder. Last evaluated: 2024-09-16. Review status: criteria provided, single submitter. Criteria: McKnight et al. (Hum Mutat. 2022). Collection method: curation. Allele origin: germline. Inheritance: X-linked inheritance.
Comment: This variant has been collected from RettBASE and curated to current modified ACMG/AMP criteria. Based on the classification scheme defined by the ClinGen Rett/Angelman-like Expert Panel for Rett/AS-like Disorders Specifications to the ACMG/AMP Variant Interpretation Guidelines VCEP 3.0, this variant is classified as likely benign. At least the following criteria are met: The allele frequency of this variant in at least one population in gnomAD is between 0.008% and 0.03% (BS1). The variant is observed in at least 1 individual with no features of CDKL5 disorder (BS2_Supporting, PMID: 22867051).

Women's Health and Genetics/Laboratory Corporation of America, LabCorp
Classification: Benign. Last evaluated: 2024-03-19. Review status: criteria provided, single submitter. Criteria: LabCorp Variant Classification Summary - May 2015. Collection method: clinical testing. Allele origin: germline.
Comment: Variant summary: CDKL5 c.2389G>A (p.Asp797Asn) results in a conservative amino acid change in the encoded protein sequence. Four of five in-silico tools predict a benign effect of the variant on protein function. The variant allele was found at a frequency of 0.00028 in 182916 control chromosomes, predominantly at a frequency of 0.0015 within the Latino subpopulation in the gnomAD database, including 1 homozygote, and 5 hemizygotes, strongly suggesting that the variant is a benign polymorphism found primarily in populations of Latino origin. To our knowledge, no occurrence of c.2389G>A in individuals affected with Early Infantile Epileptic Encephalopathy 2 and no experimental evidence demonstrating its impact on protein function have been reported. ClinVar contains an entry for this variant (Variation ID: 189533). Based on the evidence outlined above, the variant was classified as benign.

GeneDx
Classification: Benign. Last evaluated: 2020-09-09. Review status: criteria provided, single submitter. Criteria: GeneDx Variant Classification Process June 2021. Collection method: clinical testing. Allele origin: germline. Affected: yes.
Comment: This variant is associated with the following publications: (PMID: 22867051)

Mendelics
Classification: Likely benign for Developmental and epileptic encephalopathy, 2. Last evaluated: 2019-05-28. Review status: criteria provided, single submitter. Criteria: Mendelics Assertion Criteria 2017. Collection method: clinical testing. Allele origin: unknown.

Ambry Genetics
Classification: Likely benign for Inborn genetic diseases. Last evaluated: 2017-12-05. Review status: criteria provided, single submitter. Criteria: Ambry Variant Classification Scheme 2023. Collection method: clinical testing. Allele origin: germline.

RettBASE
Classification: Benign. Last evaluated: 2014-05-15. Review status: no assertion criteria provided. Collection method: curation. Allele origin: paternal, unknown. Observed: 10 variant alleles. Not counted in ClinVar's aggregate classification.

Literature cited by the submitters: PubMed 22867051 (cited by RettBASE).

NM_001323289.2(CDKL5):c.2389G>A (p.Asp797Asn)

Gene: CDKL5 (cyclin dependent kinase like 5; plus strand). Cytogenetic location: Xp22.13.
Variant type: single nucleotide variant.
Coding change: c.2389G>A on transcript NM_001323289.2 (MANE Select); coding-DNA position 2389, G replaced by A.
Protein change: p.Asp797Asn; replaces aspartic acid 797 with asparagine.
Molecular consequence: missense variant.
Genome position (GRCh38, 1-based): chrX:18,625,140, G>A. VCF-style: chrX-18625140-G-A. GRCh37 (hg19) VCF-style: chrX-18643260-G-A.
Other names: NM_001323289.2(CDKL5):c.2389G>A; p.Asp797Asn; c.2389G>A, p.Asp797Asn (NM_001037343.2, NM_003159.3); short protein forms D797N.
Identifiers: ClinVar variation 189533 (VCV000189533.24), dbSNP rs140313320, ClinGen allele CA199337.
Genomic context (GRCh38, chrX:18,625,140, plus strand): 5'-TAGGCTTCTCAGTGTGCTTATTGAATGCTTGTCCATATTTTGCTCTAGGTACCCAATTCC[G>A]ACAGCCCTGATCTTCTGACGTTGCAGAAATCCATTCATTCTGCTAGCACTCCAAGCAGCA-3'
Protein context (NP_001310218.1, residues 787-807): KKKSQTVPNS[Asp797Asn]SPDLLTLQKS